The following is an entry in ClinVar:

NM_001304438.2(TMEM132E):c.1529G>A (p.Arg510Gln)

Gene: TMEM132E (transmembrane protein 132E; plus strand). Cytogenetic location: 17q12.
Variant type: single nucleotide variant.
Coding change: c.1529G>A on transcript NM_001304438.2 (MANE Select); coding-DNA position 1529, G replaced by A.
Protein change: p.Arg510Gln; replaces arginine 510 with glutamine.
Molecular consequence: missense variant.
Genome position (GRCh38, 1-based): chr17:34,632,750, G>A. VCF-style: chr17-34632750-G-A. GRCh37 (hg19) VCF-style: chr17-32959769-G-A.
Other names: R420Q; TMEM132E, ARG420GLN (rs139895222); short protein forms R510Q.
Identifiers: ClinVar variation 143842 (VCV000143842.6), dbSNP rs139895222, ClinGen allele CA8496735.

ClinVar aggregate classification (germline): Uncertain significance. Review status: criteria provided, single submitter (1 of 4 stars). 3 submissions from 3 submitters: Uncertain significance (1). 2 of the submissions do not count toward it. Last evaluated 2023-11-17.

Conditions:
TMEM132E-related disorder. Also called: TMEM132E-related condition.
Hearing loss, autosomal recessive 99. Also called: DEAFNESS, AUTOSOMAL RECESSIVE 99. Identifiers: MedGen C4760579, MONDO:0032776, OMIM 618481.

Allele frequency attached by ClinVar (database versions not stated): gnomAD 0.00003; TOPMed 0.00003; gnomAD exomes 0.00004 and 0.00008; ESP Exome Variant Server 0.00008; ExAC 0.00010; 1000 Genomes Project 0.00020; 1000 Genomes Project 30x 0.00031.

Submissions (3):

Blueprint Genetics
Classification: Uncertain significance. Last evaluated: 2023-11-17. Review status: criteria provided, single submitter. Criteria: ACMG Guidelines, 2015. Collection method: clinical testing. Allele origin: germline.

PreventionGenetics, part of Exact Sciences
Classification: Uncertain significance for TMEM132E-related condition. Last evaluated: 2023-11-27. Review status: no assertion criteria provided. Collection method: clinical testing. Allele origin: germline. Not counted in ClinVar's aggregate classification.
Comment: The TMEM132E c.1529G>A variant is predicted to result in the amino acid substitution p.Arg510Gln. This variant was reported in the homozygous state in two siblings with non-syndromic hearing loss and was heterozygous in an unaffected sibling the consanguineous parents (Li. 2015. PubMed ID: 25331638). Functional experiments from the same study found this variant was unable to rescue the knockdown phenotype in zebrafish. This variant is reported in 0.075% of alleles in individuals of East Asian descent in gnomAD. Although we suspect that this variant may be pathogenic, at this time, the clinical significance of this variant is uncertain due to the absence of conclusive functional and genetic evidence.

OMIM
Classification: Pathogenic for DEAFNESS, AUTOSOMAL RECESSIVE 99. Last evaluated: 2020-09-02. Review status: flagged submission. Collection method: literature only. Allele origin: germline. Not counted in ClinVar's aggregate classification.
ClinVar note: Notes: Flagging candidate with reason of insufficient supporting evidence. This gene has been classified as having a limited gene-disease relationship by a ClinGen Expert Panel.
ClinVar note: Reason: Other

Literature cited by the submitters: PubMed 25331638 (cited by OMIM); PubMed 12673573 (cited by OMIM).